The following is an entry in ClinVar:

ClinVar aggregate classification (germline): Uncertain significance (1 of 4 stars; one submission).

Conditions:
Seizures, benign familial infantile, 3 (BFIS3). Also called: CONVULSIONS, BENIGN FAMILIAL INFANTILE, 3; Familial neonatal seizures. Identifiers: Orphanet 140927, Orphanet 306, MedGen C1843140, MONDO:0011904, OMIM 607745.
Developmental and epileptic encephalopathy, 11 (DEE11). Also called: Early infantile epileptic encephalopathy 11. Identifiers: Orphanet 1934, MedGen C3150987, MONDO:0013388, OMIM 613721.

Allele frequency attached by ClinVar (database versions not stated): TOPMed below 0.00001.

Submission:

Labcorp Genetics (formerly Invitae), Labcorp
Classification: Uncertain significance for Seizures, benign familial infantile, 3; Developmental and epileptic encephalopathy, 11. Last evaluated: 2023-10-17. Review status: criteria provided, single submitter. Criteria: Invitae Variant Classification Sherloc (09022015). Collection method: clinical testing. Allele origin: germline.
Comment: This sequence change replaces glutamine, which is neutral and polar, with histidine, which is basic and polar, at codon 1555 of the SCN2A protein (p.Gln1555His). This variant is not present in population databases (gnomAD no frequency). This variant has not been reported in the literature in individuals affected with SCN2A-related conditions. Advanced modeling of protein sequence and biophysical properties (such as structural, functional, and spatial information, amino acid conservation, physicochemical variation, residue mobility, and thermodynamic stability) performed at Invitae indicates that this missense variant is expected to disrupt SCN2A protein function. In summary, the available evidence is currently insufficient to determine the role of this variant in disease. Therefore, it has been classified as a Variant of Uncertain Significance.

NM_001040142.2(SCN2A):c.4665G>C (p.Gln1555His)

Gene: SCN2A (sodium voltage-gated channel alpha subunit 2; plus strand). Cytogenetic location: 2q24.3.
Variant type: single nucleotide variant.
Coding change: c.4665G>C on transcript NM_001040142.2 (MANE Select); coding-DNA position 4665, G replaced by C.
Protein change: p.Gln1555His; replaces glutamine 1555 with histidine.
Molecular consequence: missense variant.
Genome position (GRCh38, 1-based): chr2:165,386,859, G>C. VCF-style: chr2-165386859-G-C. GRCh37 (hg19) VCF-style: chr2-166243369-G-C.
Other names: c.4665G>C, p.Gln1555His (NM_001040143.2, NM_001371246.1, NM_001371247.1 and 1 more transcripts); short protein forms Q1555H.
Identifiers: ClinVar variation 2934686 (VCV002934686.3), dbSNP rs1363214270, ClinGen allele CA349036423.